The following is an entry in ClinVar:

NM_002230.4(JUP):c.222C>G (p.Tyr74Ter)

Gene: JUP (junction plakoglobin; minus strand). Cytogenetic location: 17q21.2.
Variant type: single nucleotide variant.
Coding change: c.222C>G on transcript NM_002230.4 (MANE Select); coding-DNA position 222, C replaced by G.
Protein change: p.Tyr74Ter; replaces tyrosine 74 with a stop codon.
Molecular consequence: nonsense.
Genome position (GRCh38, 1-based): chr17:41,769,664, G>C on the plus strand (C>G on the coding strand, the complement: JUP is on the minus strand). VCF-style: chr17-41769664-G-C. GRCh37 (hg19) VCF-style: chr17-39925916-G-C.
Other names: c.222C>G, p.Tyr74Ter (NM_001352773.2, NM_001352774.2, NM_001352775.2 and 3 more transcripts); short protein forms Y74*.
Identifiers: ClinVar variation 1452523 (VCV001452523.6), dbSNP rs2143697976, ClinGen allele CA399506103.

ClinVar aggregate classification (germline): Pathogenic (1 of 4 stars; one submission).

Conditions:
Naxos disease (NXD). Also called: MAL DE NAXOS; PALMOPLANTAR KERATODERMA WITH ARRHYTHMOGENIC RIGHT VENTRICULAR CARDIOMYOPATHY AND WOOLLY HAIR; WOOLLY HAIR, PALMOPLANTAR KERATODERMA, AND CARDIAC ABNORMALITIES; KERATOSIS PALMOPLANTARIS WITH ARRHYTHMOGENIC CARDIOMYOPATHY; CARDIOMYOPATHY, ARRHYTHMOGENIC RIGHT VENTRICULAR, WITH SKIN, HAIR, AND NAIL ABNORMALITIES. Identifiers: Orphanet 34217, MedGen C1832600, MONDO:0011017, OMIM 601214.
Arrhythmogenic right ventricular dysplasia 12. Also called: ARRHYTHMOGENIC RIGHT VENTRICULAR DYSPLASIA, FAMILIAL, 12. Identifiers: MedGen C1969081, MONDO:0012684, OMIM 611528.

Submission:

Labcorp Genetics (formerly Invitae), Labcorp
Classification: Pathogenic for Arrhythmogenic right ventricular dysplasia 12; Naxos disease. Last evaluated: 2021-02-16. Review status: criteria provided, single submitter. Criteria: Invitae Variant Classification Sherloc (09022015). Collection method: clinical testing. Allele origin: germline.
Comment: This sequence change creates a premature translational stop signal (p.Tyr74*) in the JUP gene. It is expected to result in an absent or disrupted protein product. Loss-of-function variants in JUP are known to be pathogenic (PMID: 10902626). This variant is not present in population databases (ExAC no frequency). This variant has not been reported in the literature in individuals with JUP-related conditions. For these reasons, this variant has been classified as Pathogenic.

Literature cited by the submitters: PubMed 10902626.